The following is an entry in ClinVar:

NM_024407.5(NDUFS7):c.167C>T (p.Pro56Leu)

Gene: NDUFS7 (NADH:ubiquinone oxidoreductase core subunit S7; plus strand). Cytogenetic location: 19p13.3.
Variant type: single nucleotide variant.
Coding change: c.167C>T on transcript NM_024407.5 (MANE Select); coding-DNA position 167, C replaced by T.
Protein change: p.Pro56Leu; replaces proline 56 with leucine.
Molecular consequence: missense variant.
Genome position (GRCh38, 1-based): chr19:1,388,877, C>T. VCF-style: chr19-1388877-C-T. GRCh37 (hg19) VCF-style: chr19-1388876-C-T.
Other names: c.167C>T, p.Pro56Leu (NM_001363602.2); short protein forms P56L.
Identifiers: ClinVar variation 3188380 (VCV003188380.3), dbSNP rs747767440, ClinGen allele CA9043136.

ClinVar aggregate classification (germline): Uncertain significance. Review status: criteria provided, multiple submitters, no conflicts (2 of 4 stars). 3 submissions from 3 submitters: Uncertain significance (3). Last evaluated 2025-08-15.

Conditions:
Inborn genetic diseases. Identifiers: MedGen C0950123, MeSH D030342.

Allele frequency attached by ClinVar (database versions not stated): gnomAD 0.00001; TOPMed 0.00003; ExAC 0.00004.
gnomAD v4.1: 28 of 1,609,048 alleles (0.0017%); highest among the groups gnomAD compares: Non-Finnish European, 0.0024%; no homozygotes.

Submissions (3):

Labcorp Genetics (formerly Invitae), Labcorp
Classification: Uncertain significance. Last evaluated: 2025-08-15. Review status: criteria provided, single submitter. Criteria: Invitae Variant Classification Sherloc (09022015). Collection method: clinical testing. Allele origin: germline.
Comment: This sequence change replaces proline, which is neutral and non-polar, with leucine, which is neutral and non-polar, at codon 56 of the NDUFS7 protein (p.Pro56Leu). This variant is present in population databases (rs747767440, gnomAD 0.007%). This variant has not been reported in the literature in individuals affected with NDUFS7-related conditions. ClinVar contains an entry for this variant (Variation ID: 3188380). An algorithm developed to predict the effect of missense changes on protein structure and function (PolyPhen-2) suggests that this variant is likely to be tolerated. In summary, the available evidence is currently insufficient to determine the role of this variant in disease. Therefore, it has been classified as a Variant of Uncertain Significance.

Blueprint Genetics
Classification: Uncertain significance. Last evaluated: 2023-09-08. Review status: criteria provided, single submitter. Criteria: ACMG Guidelines, 2015. Collection method: clinical testing. Allele origin: germline.

Ambry Genetics
Classification: Uncertain significance for Inborn genetic diseases. Last evaluated: 2022-07-26. Review status: criteria provided, single submitter. Criteria: Ambry Variant Classification Scheme 2023. Collection method: clinical testing. Allele origin: germline.